The following is an entry in ClinVar:

ClinVar aggregate classification (germline): Uncertain significance (1 of 4 stars; one submission).

Allele frequency attached by ClinVar (database versions not stated): gnomAD exomes below 0.00001.
gnomAD v4.1: 2 of 1,592,774 alleles (0.00013%); highest among the groups gnomAD compares: Non-Finnish European, 0.000085%; no homozygotes.

Submission:

GeneDx
Classification: Uncertain significance. Last evaluated: 2023-01-11. Review status: criteria provided, single submitter. Criteria: GeneDx Variant Classification Process June 2021. Collection method: clinical testing. Allele origin: germline. Affected: yes.
Comment: Has not been previously published as pathogenic or benign to our knowledge; Not observed at significant frequency in large population cohorts (gnomAD); In silico analysis supports that this missense variant does not alter protein structure/function

NM_017617.5(NOTCH1):c.512A>G (p.His171Arg)

Gene: NOTCH1 (notch receptor 1; minus strand). Cytogenetic location: 9q34.3.
Variant type: single nucleotide variant.
Coding change: c.512A>G on transcript NM_017617.5 (MANE Select); coding-DNA position 512, A replaced by G.
Protein change: p.His171Arg; replaces histidine 171 with arginine.
Molecular consequence: missense variant.
Genome position (GRCh38, 1-based): chr9:136,523,080, T>C on the plus strand (A>G on the coding strand, the complement: NOTCH1 is on the minus strand). VCF-style: chr9-136523080-T-C. GRCh37 (hg19) VCF-style: chr9-139417532-T-C.
Other names: short protein forms H171R.
Identifiers: ClinVar variation 2572810 (VCV002572810.1), dbSNP rs1271986548, ClinGen allele CA375570725.
Genomic context (GRCh38, chr9:136,523,080, plus strand): 5'-TGGCGGCAAAGCCCGGGCTTCTGGCCACACTCGTTGACATCCTGCCGGCAGGTGGGGCCA[T>C]GGAAGCTGGGTGGGCAGTGGCAGATGTAGGAGGCCTCGAAGGGCAGGCACTGGCCACCGT-3'
Protein context (NP_060087.3, residues 161-181): SYICHCPPSF[His171Arg]GPTCRQDVNE